The following is an entry in ClinVar:

ClinVar aggregate classification (germline): Uncertain significance (1 of 4 stars; one submission).

Conditions:
Familial hemophagocytic lymphohistiocytosis 3 (FHL3). Also called: UNC13D-Related Familial Hemophagocytic Lymphohistiocytosis (UNC13D-fHLH). Identifiers: Orphanet 540, MedGen C1837174, MONDO:0012146, OMIM 608898.

Submission:

Labcorp Genetics (formerly Invitae), Labcorp
Classification: Uncertain significance for Familial hemophagocytic lymphohistiocytosis 3. Last evaluated: 2023-11-28. Review status: criteria provided, single submitter. Criteria: Invitae Variant Classification Sherloc (09022015). Collection method: clinical testing. Allele origin: germline.
Comment: This sequence change replaces phenylalanine, which is neutral and non-polar, with leucine, which is neutral and non-polar, at codon 985 of the UNC13D protein (p.Phe985Leu). This variant is not present in population databases (gnomAD no frequency). This variant has not been reported in the literature in individuals affected with UNC13D-related conditions. ClinVar contains an entry for this variant (Variation ID: 1505380). An algorithm developed to predict the effect of missense changes on protein structure and function (PolyPhen-2) suggests that this variant is likely to be tolerated. In summary, the available evidence is currently insufficient to determine the role of this variant in disease. Therefore, it has been classified as a Variant of Uncertain Significance.

NM_199242.3(UNC13D):c.2955C>G (p.Phe985Leu)

Gene: UNC13D (unc-13 homolog D; minus strand). Cytogenetic location: 17q25.1.
Variant type: single nucleotide variant.
Coding change: c.2955C>G on transcript NM_199242.3 (MANE Select); coding-DNA position 2955, C replaced by G.
Protein change: p.Phe985Leu; replaces phenylalanine 985 with leucine.
Molecular consequence: missense variant.
Genome position (GRCh38, 1-based): chr17:75,828,983, G>C on the plus strand (C>G on the coding strand, the complement: UNC13D is on the minus strand). VCF-style: chr17-75828983-G-C. GRCh37 (hg19) VCF-style: chr17-73825064-G-C.
Other names: short protein forms F985L.
Identifiers: ClinVar variation 1505380 (VCV001505380.8), dbSNP rs2143861441, ClinGen allele CA401075629.